The following is an entry in ClinVar:

NM_006231.4(POLE):c.3583-4C>G

Gene: POLE (DNA polymerase epsilon, catalytic subunit; minus strand). Cytogenetic location: 12q24.33.
Variant type: single nucleotide variant.
Coding change: c.3583-4C>G on transcript NM_006231.4 (MANE Select); 4 bases into the intron before coding-DNA position 3583, C replaced by G.
Molecular consequence: intron variant.
Genome position (GRCh38, 1-based): chr12:132,649,893, G>C on the plus strand (C>G on the coding strand, the complement: POLE is on the minus strand). VCF-style: chr12-132649893-G-C. GRCh37 (hg19) VCF-style: chr12-133226479-G-C.
Identifiers: ClinVar variation 473604 (VCV000473604.18), dbSNP rs977709348, ClinGen allele CA246310691.
Genomic context (GRCh38, chr12:132,649,893, plus strand): 5'-CTCCATGTCAGGAGCACTTGGCCTCGGACTGTCTTCTGAGGCCTCGGCCATCGTGACCTG[G>C]AAAGACCCAGTGAAGCCTTAAATCTCAGGATCTCGGGCTGCGCAGGGTGGCTCATGCCTG-3'

ClinVar aggregate classification (germline): Likely benign. Review status: criteria provided, multiple submitters, no conflicts (2 of 4 stars). 3 submissions from 3 submitters: Likely benign (3). Last evaluated 2026-09-01.

Conditions:
Hereditary cancer-predisposing syndrome. Also called: Hereditary neoplastic syndrome; Tumor predisposition; Neoplastic Syndromes, Hereditary; Hereditary Cancer Syndrome. Identifiers: Orphanet 140162, MedGen C0027672, MeSH D009386, MONDO:0015356.

Allele frequency attached by ClinVar (database versions not stated): gnomAD exomes 0.00001 and 0.00002; gnomAD 0.00005 and 0.00006; TOPMed 0.00006.
gnomAD v4.1: 16 of 1,612,960 alleles (0.00099%); highest among the groups gnomAD compares: Admixed American, 0.022%; no homozygotes.

Submissions (3):

CeGaT Center for Human Genetics Tuebingen
Classification: Likely benign. Last evaluated: 2026-09-01. Review status: criteria provided, single submitter. Criteria: CeGaT Center For Human Genetics Tuebingen Variant Classification Criteria Version 2. Collection method: clinical testing. Allele origin: germline. Affected: yes. Observed: 1 variant allele.
Comment: POLE: BP4, BP7

Labcorp Genetics (formerly Invitae), Labcorp
Classification: Likely benign. Last evaluated: 2026-01-22. Review status: criteria provided, single submitter. Criteria: Invitae Variant Classification Sherloc (09022015). Collection method: clinical testing. Allele origin: germline.

Ambry Genetics
Classification: Likely benign for Hereditary cancer-predisposing syndrome. Last evaluated: 2025-01-23. Review status: criteria provided, single submitter. Criteria: Ambry Variant Classification Scheme 2023. Collection method: clinical testing. Allele origin: germline.